The following is an entry in ClinVar:

ClinVar aggregate classification (germline): Uncertain significance (1 of 4 stars; one submission).

Conditions:
UPF3B-related disorder. Also called: UPF3B-related condition.

Submission:

PreventionGenetics, part of Exact Sciences
Classification: Uncertain significance for UPF3B-related condition. Last evaluated: 2026-02-22. Review status: criteria provided, single submitter. Criteria: ACMG Guidelines, 2015. Collection method: clinical testing. Allele origin: germline.
Comment: The UPF3B c.1361C>T variant is predicted to result in the amino acid substitution p.Pro454Leu. To our knowledge, this variant has not been reported in the literature or in a large population database (gnomAD), indicating this variant is rare. At this time, the clinical significance of this variant is uncertain due to the absence of conclusive functional and genetic evidence.

NM_080632.3(UPF3B):c.1361C>T (p.Pro454Leu)

Gene: UPF3B (UPF3B regulator of nonsense mediated mRNA decay; minus strand). Cytogenetic location: Xq24.
Variant type: single nucleotide variant.
Coding change: c.1361C>T on transcript NM_080632.3 (MANE Select); coding-DNA position 1361, C replaced by T.
Protein change: p.Pro454Leu; replaces proline 454 with leucine.
Molecular consequence: missense variant.
Genome position (GRCh38, 1-based): chrX:119,834,969, G>A on the plus strand (C>T on the coding strand, the complement: UPF3B is on the minus strand). VCF-style: chrX-119834969-G-A. GRCh37 (hg19) VCF-style: chrX-118968932-G-A.
Other names: c.1322C>T, p.Pro441Leu (NM_023010.4); short protein forms P454L, P441L.
Identifiers: ClinVar variation 4992574 (VCV004992574.1).